The following is an entry in ClinVar:

ClinVar aggregate classification (germline): Uncertain significance. Review status: criteria provided, multiple submitters, no conflicts (2 of 4 stars). 2 submissions from 2 submitters: Uncertain significance (2). Last evaluated 2022-09-01.

Conditions:
CTC1-related disorder. Also called: CTC1-related condition.
Dyskeratosis congenita. Identifiers: Orphanet 1775, MedGen C0265965, MONDO:0015780.

Allele frequency attached by ClinVar (database versions not stated): gnomAD exomes below 0.00001 and 0.00001; TOPMed below 0.00001; ExAC 0.00001; gnomAD 0.00001.
gnomAD v4.1: 4 of 1,613,596 alleles (0.00025%); highest among the groups gnomAD compares: East Asian, 0.0067%; no homozygotes.

Submissions (2):

Labcorp Genetics (formerly Invitae), Labcorp
Classification: Uncertain significance for Dyskeratosis congenita. Last evaluated: 2022-09-01. Review status: criteria provided, single submitter. Criteria: Invitae Variant Classification Sherloc (09022015). Collection method: clinical testing. Allele origin: germline.
Comment: ClinVar contains an entry for this variant (Variation ID: 1439508). In summary, the available evidence is currently insufficient to determine the role of this variant in disease. Therefore, it has been classified as a Variant of Uncertain Significance. Variants that disrupt the consensus splice site are a relatively common cause of aberrant splicing (PMID: 17576681, 9536098). Algorithms developed to predict the effect of sequence changes on RNA splicing suggest that this variant may disrupt the consensus splice site. Algorithms developed to predict the effect of missense changes on protein structure and function are either unavailable or do not agree on the potential impact of this missense change (SIFT: "Tolerated"; PolyPhen-2: "Possibly Damaging"; Align-GVGD: "Class C0"). This variant has not been reported in the literature in individuals affected with CTC1-related conditions. This variant is present in population databases (rs751960515, gnomAD 0.006%). This sequence change replaces arginine, which is basic and polar, with lysine, which is basic and polar, at codon 1074 of the CTC1 protein (p.Arg1074Lys). This variant also falls at the last nucleotide of exon 20, which is part of the consensus splice site for this exon.

PreventionGenetics, part of Exact Sciences
Classification: Uncertain significance for CTC1-related condition. Last evaluated: 2022-08-23. Review status: criteria provided, single submitter. Criteria: ACMG Guidelines, 2015. Collection method: clinical testing. Allele origin: germline.
Comment: The CTC1 c.3221G>A variant is predicted to result in the amino acid substitution p.Arg1074Lys. To our knowledge, this variant has not been reported in the literature. This variant is reported in 0.011% of alleles in individuals of East Asian descent in gnomAD. At this time, the clinical significance of this variant is uncertain due to the absence of conclusive functional and genetic evidence.

Literature cited by the submitters: PubMed 17576681 (cited by Labcorp Genetics (formerly Invitae), Labcorp); PubMed 9536098 (cited by Labcorp Genetics (formerly Invitae), Labcorp).

NM_025099.6(CTC1):c.3221G>A (p.Arg1074Lys)

Gene: CTC1 (CST telomere replication complex component 1; minus strand). Cytogenetic location: 17p13.1.
Variant type: single nucleotide variant.
Coding change: c.3221G>A on transcript NM_025099.6 (MANE Select); coding-DNA position 3221, G replaced by A.
Protein change: p.Arg1074Lys; replaces arginine 1074 with lysine.
Molecular consequence: missense variant.
Genome position (GRCh38, 1-based): chr17:8,229,142, C>T on the plus strand (G>A on the coding strand, the complement: CTC1 is on the minus strand). VCF-style: chr17-8229142-C-T. GRCh37 (hg19) VCF-style: chr17-8132460-C-T.
Other names: c.3221G>A (NM_025099.5); short protein forms R1074K.
Identifiers: ClinVar variation 1439508 (VCV001439508.5), dbSNP rs751960515, ClinGen allele CA8371846.